The following is an entry in ClinVar:

NM_001005361.3(DNM2):c.1879C>T (p.Pro627Ser)

Gene: DNM2 (dynamin 2; plus strand). Cytogenetic location: 19p13.2.
Variant type: single nucleotide variant.
Coding change: c.1879C>T on transcript NM_001005361.3 (MANE Select); coding-DNA position 1879, C replaced by T.
Protein change: p.Pro627Ser; replaces proline 627 with serine.
Molecular consequence: missense variant.
Genome position (GRCh38, 1-based): chr19:10,823,885, C>T. VCF-style: chr19-10823885-C-T. GRCh37 (hg19) VCF-style: chr19-10934561-C-T.
Other names: c.1879C>T, p.Pro627Ser (NM_001005360.3, NM_001190716.2); c.1867C>T, p.Pro623Ser (NM_001005362.3, NM_004945.4); short protein forms P627S, P623S.
Identifiers: ClinVar variation 3638197 (VCV003638197.2).

ClinVar aggregate classification (germline): Uncertain significance (1 of 4 stars; one submission).

Conditions:
Charcot-Marie-Tooth disease dominant intermediate B (CMTDIB). Also called: CHARCOT-MARIE-TOOTH NEUROPATHY, DOMINANT INTERMEDIATE B; Charcot-Marie-Tooth disease dominant intermediate 1; CMT DI1; Charcot-Marie-Tooth disease dominant intermediate I. Identifiers: Orphanet 100044, Orphanet 228179, MedGen C1847902, MONDO:0011674, OMIM 606482.

Submission:

Labcorp Genetics (formerly Invitae), Labcorp
Classification: Uncertain significance for Charcot-Marie-Tooth disease dominant intermediate B. Last evaluated: 2024-04-22. Review status: criteria provided, single submitter. Criteria: Invitae Variant Classification Sherloc (09022015). Collection method: clinical testing. Allele origin: germline.
Comment: This sequence change replaces proline, which is neutral and non-polar, with serine, which is neutral and polar, at codon 627 of the DNM2 protein (p.Pro627Ser). This variant is not present in population databases (gnomAD no frequency). This variant has not been reported in the literature in individuals affected with DNM2-related conditions. Advanced modeling of protein sequence and biophysical properties (such as structural, functional, and spatial information, amino acid conservation, physicochemical variation, residue mobility, and thermodynamic stability) has been performed at Invitae for this missense variant, however the output from this modeling did not meet the statistical confidence thresholds required to predict the impact of this variant on DNM2 protein function. This variant disrupts the p.Pro627 amino acid residue in DNM2. Other variant(s) that disrupt this residue have been determined to be pathogenic (PMID: 20227276, 22096584). This suggests that this residue is clinically significant, and that variants that disrupt this residue are likely to be disease-causing. In summary, the available evidence is currently insufficient to determine the role of this variant in disease. Therefore, it has been classified as a Variant of Uncertain Significance.

Literature cited by the submitters: PubMed 20227276; PubMed 22096584.